The following is an entry in ClinVar:

ClinVar aggregate classification (germline): Benign (1 of 4 stars; one submission).

Conditions:
DICER1-related tumor predisposition. Also called: DICER1 syndrome; DICER1-related pleuropulmonary blastoma cancer predisposition syndrome. Identifiers: Orphanet 284343, MedGen C3839822, MONDO:0100216.

Submission:

Myriad Genetics, Inc.
Classification: Benign for DICER1-related tumor predisposition. Last evaluated: 2026-08-18. Review status: criteria provided, single submitter. Criteria: Myriad Autosomal Dominant, Autosomal Recessive and X-Linked Classification Criteria (2023). Collection method: clinical testing. Allele origin: unknown.
Comment: This variant is considered benign. This variant is a silent/synonymous amino acid change and it is not expected to impact splicing.

NM_177438.3(DICER1):c.5019C>T (p.Ile1673=)

Gene: DICER1 (dicer 1, ribonuclease III; minus strand). Cytogenetic location: 14q32.13.
Variant type: single nucleotide variant.
Coding change: c.5019C>T on transcript NM_177438.3 (MANE Select); coding-DNA position 5019, C replaced by T.
Protein change: p.Ile1673=; no amino-acid change (isoleucine 1673 retained).
Molecular consequence: synonymous variant. On other transcripts: non-coding transcript variant (6).
Genome position (GRCh38, 1-based): chr14:95,095,901, G>A on the plus strand (C>T on the coding strand, the complement: DICER1 is on the minus strand). VCF-style: chr14-95095901-G-A. GRCh37 (hg19) VCF-style: chr14-95562238-G-A.
Other names: c.5019C>T, p.Ile1673= (NM_001195573.1, NM_001271282.3, NM_001291628.2 and 12 more transcripts); c.4737C>T, p.Ile1579= (NM_001395686.1); c.4614C>T, p.Ile1538= (NM_001395687.1, NM_001395688.1, NM_001395689.1 and 2 more transcripts); c.4452C>T, p.Ile1484= (NM_001395691.1); c.3336C>T, p.Ile1112= (NM_001395697.1).
Identifiers: ClinVar variation 5042203 (VCV005042203.1).